The following is an entry in ClinVar:

ClinVar aggregate classification (germline): Uncertain significance (0 of 4 stars; one submission).

Conditions:
FTSJ1-related disorder. Also called: FTSJ1-related condition.

Submission:

PreventionGenetics, part of Exact Sciences
Classification: Uncertain significance for FTSJ1-related condition. Last evaluated: 2024-09-04. Review status: no assertion criteria provided. Collection method: clinical testing. Allele origin: germline.
Comment: The FTSJ1 c.950C>T variant is predicted to result in the amino acid substitution p.Ala317Val. To our knowledge, this variant has not been reported in the literature or in a large population database, indicating this variant is rare. At this time, the clinical significance of this variant is uncertain due to the absence of conclusive functional and genetic evidence.

NM_012280.4(FTSJ1):c.950C>T (p.Ala317Val)

Gene: FTSJ1 (FtsJ RNA 2'-O-methyltransferase 1; plus strand). Cytogenetic location: Xp11.23.
Variant type: single nucleotide variant.
Coding change: c.950C>T on transcript NM_012280.4 (MANE Select); coding-DNA position 950, C replaced by T.
Protein change: p.Ala317Val; replaces alanine 317 with valine.
Molecular consequence: missense variant.
Genome position (GRCh38, 1-based): chrX:48,482,787, C>T. VCF-style: chrX-48482787-C-T. GRCh37 (hg19) VCF-style: chrX-48341175-C-T.
Other names: c.539C>T, p.Ala180Val (NM_001282157.2); c.944C>T, p.Ala315Val (NM_177439.3); short protein forms A180V, A315V, A317V.
Identifiers: ClinVar variation 3344378 (VCV003344378.1).